The following is an entry in ClinVar:

NM_001371189.2(UNC13B):c.9415-15070C>T

Gene: UNC13B (unc-13 homolog B; plus strand). Cytogenetic location: 9p13.3.
Variant type: single nucleotide variant.
Coding change: c.9415-15070C>T on transcript NM_001371189.2 (MANE Select); 15070 bases into the intron before coding-DNA position 9415, C replaced by T.
Molecular consequence: intron variant. On other transcripts: synonymous variant (2).
Genome position (GRCh38, 1-based): chr9:35,351,877, C>T. VCF-style: chr9-35351877-C-T. GRCh37 (hg19) VCF-style: chr9-35351874-C-T.
Other names: c.351C>T, p.Asn117= (NM_001371187.2, NM_001387555.1); c.1204-15070C>T (NM_001387551.1); c.1168-15070C>T (NM_001330653.3, NM_006377.6, NM_001371186.2); c.1021-15070C>T (NM_001387553.1, NM_001387554.1); c.57+9533C>T (NM_001371188.2).
Identifiers: ClinVar variation 3771376 (VCV003771376.13).

ClinVar aggregate classification (germline): Likely benign (1 of 4 stars; one submission).

Submission:

CeGaT Center for Human Genetics Tuebingen
Classification: Likely benign. Last evaluated: 2025-01-01. Review status: criteria provided, single submitter. Criteria: CeGaT Center For Human Genetics Tuebingen Variant Classification Criteria Version 2. Collection method: clinical testing. Allele origin: germline. Affected: yes. Observed: 1 variant allele.
Comment: UNC13B: BP4, BP7